The following is an entry in ClinVar:

ClinVar aggregate classification (germline): Uncertain significance (1 of 4 stars; one submission).

Conditions:
X-linked severe combined immunodeficiency (SCIDX1). Also called: X-Linked Combined Immunodeficiency Diseases; IMMUNODEFICIENCY 4; SCID, X-LINKED; SEVERE COMBINED IMMUNODEFICIENCY, X-LINKED, T CELL-NEGATIVE, B CELL-POSITIVE, NK CELL-NEGATIVE; T-B+ severe combined immunodeficiency due to gamma chain deficiency. Identifiers: Orphanet 276, MedGen C6022468, MONDO:0010315, OMIM 300400. Disease mechanism: loss of function.

Allele frequency attached by ClinVar (database versions not stated): gnomAD exomes 0.00001.
gnomAD v4.1: 9 of 1,185,190 alleles (0.00076%); highest among the groups gnomAD compares: Non-Finnish European, 0.001%; no homozygotes.

Submission:

Labcorp Genetics (formerly Invitae), Labcorp
Classification: Uncertain significance for X-linked severe combined immunodeficiency. Last evaluated: 2023-08-14. Review status: criteria provided, single submitter. Criteria: Invitae Variant Classification Sherloc (09022015). Collection method: clinical testing. Allele origin: germline.
Comment: This variant is not present in population databases (gnomAD no frequency). This variant has not been reported in the literature in individuals affected with IL2RG-related conditions. Advanced modeling of protein sequence and biophysical properties (such as structural, functional, and spatial information, amino acid conservation, physicochemical variation, residue mobility, and thermodynamic stability) performed at Invitae indicates that this missense variant is not expected to disrupt IL2RG protein function. In summary, the available evidence is currently insufficient to determine the role of this variant in disease. Therefore, it has been classified as a Variant of Uncertain Significance. This sequence change replaces leucine, which is neutral and non-polar, with serine, which is neutral and polar, at codon 260 of the IL2RG protein (p.Leu260Ser).

NM_000206.3(IL2RG):c.779T>C (p.Leu260Ser)

Gene: IL2RG (interleukin 2 receptor subunit gamma; minus strand). Cytogenetic location: Xq13.1.
Variant type: single nucleotide variant.
Coding change: c.779T>C on transcript NM_000206.3 (MANE Select); coding-DNA position 779, T replaced by C.
Protein change: p.Leu260Ser; replaces leucine 260 with serine.
Molecular consequence: missense variant.
Genome position (GRCh38, 1-based): chrX:71,108,674, A>G on the plus strand (T>C on the coding strand, the complement: IL2RG is on the minus strand). VCF-style: chrX-71108674-A-G. GRCh37 (hg19) VCF-style: chrX-70328524-A-G.
Other names: short protein forms L260S.
Identifiers: ClinVar variation 2895913 (VCV002895913.3), dbSNP rs2521703560, ClinGen allele CA413628754.